The following is an entry in ClinVar:

NM_003361.4(UMOD):c.1464C>T (p.Gly488=)

Gene: UMOD (uromodulin; minus strand). Cytogenetic location: 16p12.3.
Variant type: single nucleotide variant.
Coding change: c.1464C>T on transcript NM_003361.4 (MANE Select); coding-DNA position 1464, C replaced by T.
Protein change: p.Gly488=; no amino-acid change (glycine 488 retained).
Molecular consequence: synonymous variant. On other transcripts: non-coding transcript variant (1).
Genome position (GRCh38, 1-based): chr16:20,341,204, G>A on the plus strand (C>T on the coding strand, the complement: UMOD is on the minus strand). VCF-style: chr16-20341204-G-A. GRCh37 (hg19) VCF-style: chr16-20352526-G-A.
Other names: c.1464C>T, p.Gly488= (NM_001008389.3, NM_001378232.1, NM_001378233.1); c.1563C>T, p.Gly521= (NM_001278614.2); c.1605C>T, p.Gly535= (NM_001378234.1, NM_001378235.1).
Identifiers: ClinVar variation 318287 (VCV000318287.32), dbSNP rs141912637, ClinGen allele CA7939133.

ClinVar aggregate classification (germline): Benign/Likely benign. Review status: criteria provided, multiple submitters, no conflicts (2 of 4 stars). 5 submissions from 5 submitters: Benign (2); Likely benign (3). Last evaluated 2025-11-01.

Conditions:
Familial juvenile hyperuricemic nephropathy type 1 (ADTKD1). Also called: Glomerulocystic kidney disease with hyperuricemia and isosthenuria; Medullary cystic kidney disease 2; Autosomal Dominant Tubulointerstitial Kidney Disease – UMOD; UMOD-Associated Kidney Disease; Uromodulin-associated kidney disease. Identifiers: Orphanet 209886, Orphanet 34149, Orphanet 88950, MedGen C4551496, MONDO:0008073, OMIM 162000.

Allele frequency attached by ClinVar (database versions not stated): 1000 Genomes Project 30x 0.00016; 1000 Genomes Project 0.00020; gnomAD 0.00045 and 0.00049; gnomAD exomes 0.00047 and 0.00075; ExAC 0.00048; TOPMed 0.00057; ESP Exome Variant Server 0.00085.

Submissions (5):

CeGaT Center for Human Genetics Tuebingen
Classification: Likely benign. Last evaluated: 2025-11-01. Review status: criteria provided, single submitter. Criteria: CeGaT Center For Human Genetics Tuebingen Variant Classification Criteria Version 2. Collection method: clinical testing. Allele origin: germline. Affected: yes. Observed: 4 variant alleles.
Comment: UMOD: BP4, BP7

Labcorp Genetics (formerly Invitae), Labcorp
Classification: Benign. Last evaluated: 2025-08-21. Review status: criteria provided, single submitter. Criteria: Invitae Variant Classification Sherloc (09022015). Collection method: clinical testing. Allele origin: germline.

Blueprint Genetics
Classification: Likely benign. Last evaluated: 2024-11-08. Review status: criteria provided, single submitter. Criteria: ACMG Guidelines, 2015. Collection method: clinical testing. Allele origin: germline.

Genetic Services Laboratory, University of Chicago
Classification: Likely benign. Last evaluated: 2019-04-15. Review status: criteria provided, single submitter. Criteria: ACMG Guidelines, 2015. Collection method: clinical testing. Allele origin: germline. Affected: no.

Illumina Laboratory Services, Illumina
Classification: Benign for UMOD-Associated Kidney Disease. Last evaluated: 2018-01-13. Review status: criteria provided, single submitter. Criteria: ICSL Variant Classification Criteria 13 December 2019. Collection method: clinical testing. Allele origin: germline.
Comment: This variant was observed in the ICSL laboratory as part of a predisposition screen in an ostensibly healthy population. It had not been previously curated by ICSL or reported in the Human Gene Mutation Database (HGMD: prior to June 1st, 2018), and was therefore a candidate for classification through an automated scoring system. Utilizing variant allele frequency, disease prevalence and penetrance estimates, and inheritance mode, an automated score was calculated to assess if this variant is too frequent to cause the disease. Based on the score and internal cut-off values, a variant classified as benign is not then subjected to further curation. The score for this variant resulted in a classification of benign for this disease.